The following is an entry in ClinVar:

NM_015378.4(VPS13D):c.10102A>G (p.Ile3368Val)

Gene: VPS13D (vacuolar protein sorting 13 homolog D; plus strand). Cytogenetic location: 1p36.22.
Variant type: single nucleotide variant.
Coding change: c.10102A>G on transcript NM_015378.4 (MANE Select); coding-DNA position 10102, A replaced by G.
Protein change: p.Ile3368Val; replaces isoleucine 3368 with valine.
Molecular consequence: missense variant.
Genome position (GRCh38, 1-based): chr1:12,358,562, A>G. VCF-style: chr1-12358562-A-G. GRCh37 (hg19) VCF-style: chr1-12418618-A-G.
Other names: c.10027A>G, p.Ile3343Val (NM_018156.4); short protein forms I3343V, I3368V.
Identifiers: ClinVar variation 3899774 (VCV003899774.1).

ClinVar aggregate classification (germline): Uncertain significance (1 of 4 stars; one submission).

Submission:

GeneDx
Classification: Uncertain significance. Last evaluated: 2024-11-15. Review status: criteria provided, single submitter. Criteria: GeneDx Variant Classification Process June 2021. Collection method: clinical testing. Allele origin: germline. Affected: yes.
Comment: Not observed at significant frequency in large population cohorts (gnomAD); In silico analysis supports that this missense variant has a deleterious effect on protein structure/function; Has not been previously published as pathogenic or benign to our knowledge